The following is an entry in ClinVar:

ClinVar aggregate classification (germline): Likely benign (0 of 4 stars; one submission).

Conditions:
NCAM2-related disorder. Also called: NCAM2-related condition.

Submission:

PreventionGenetics, part of Exact Sciences
Classification: Likely benign for NCAM2-related condition. Last evaluated: 2019-11-25. Review status: no assertion criteria provided. Collection method: clinical testing. Allele origin: germline.
Comment: This variant is classified as likely benign based on ACMG/AMP sequence variant interpretation guidelines (Richards et al. 2015 PMID: 25741868, with internal and published modifications).

NM_004540.5(NCAM2):c.2078-9C>A

Gene: NCAM2 (neural cell adhesion molecule 2; plus strand). Cytogenetic location: 21q21.1.
Variant type: single nucleotide variant.
Coding change: c.2078-9C>A on transcript NM_004540.5 (MANE Select); 9 bases into the intron before coding-DNA position 2078, C replaced by A.
Molecular consequence: intron variant.
Genome position (GRCh38, 1-based): chr21:21,508,842, C>A. VCF-style: chr21-21508842-C-A. GRCh37 (hg19) VCF-style: chr21-22881163-C-A.
Other names: c.2153-9C>A (NM_001352592.2); c.2078-9C>A (NM_001352591.2); c.1652-9C>A (NM_001352595.2).
Identifiers: ClinVar variation 3056255 (VCV003056255.2), dbSNP rs201600701, ClinGen allele CA1021086425.